The following is an entry in ClinVar:

ClinVar aggregate classification (germline): Conflicting classifications of pathogenicity. Review status: criteria provided, conflicting classifications (1 of 4 stars). 3 submissions from 2 submitters: Uncertain significance (2); Likely benign (1). Last evaluated 2018-01-13.

Conditions:
Autosomal dominant nonsyndromic hearing loss 6 (LFSNHL). Also called: DEAFNESS, AUTOSOMAL DOMINANT 6; DEAFNESS, AUTOSOMAL DOMINANT 14; DEAFNESS, AUTOSOMAL DOMINANT 38; Autosomal dominant nonsyndromic deafness 6; DIDMOAD (Diabetes Insipidus, Diabetes Mellitus, Optic Atrophy, and Deafness). Identifiers: Orphanet 90635, MedGen C1833021, MONDO:0010963, OMIM 600965.
Wolfram syndrome 1 (WFS1). Identifiers: Orphanet 3463, MedGen C4551693, MONDO:0009101, OMIM 222300.
WFS1-Related Spectrum Disorders.

Allele frequency attached by ClinVar (database versions not stated): gnomAD exomes below 0.00001; TOPMed below 0.00001; gnomAD 0.00001.
gnomAD v4.1: 7 of 1,613,438 alleles (0.00043%); highest among the groups gnomAD compares: Non-Finnish European, 0.00059%; no homozygotes.

Submissions (3):

Illumina Laboratory Services, Illumina
Classification: Uncertain significance for Autosomal dominant nonsyndromic hearing loss 6. Last evaluated: 2018-01-13. Review status: criteria provided, single submitter. Criteria: ICSL Variant Classification Criteria 13 December 2019. Collection method: clinical testing. Allele origin: germline.

Illumina Laboratory Services, Illumina
Classification: Uncertain significance for WFS1-Related Spectrum Disorders. Last evaluated: 2018-01-13. Review status: criteria provided, single submitter. Criteria: ICSL Variant Classification Criteria 13 December 2019. Collection method: clinical testing. Allele origin: germline.

Clinical Genomics, Uppaluri K&H Personalized Medicine Clinic
Classification: Likely benign for Wolfram syndrome 1. Review status: criteria provided, single submitter. Criteria: K & H Uppaluri Personalized Medicine Clinic Variant Classification & Assertion Criteria_Updated V.1. Collection method: research. Allele origin: unknown. Inheritance: Autosomal recessive inheritance.
Comment: Potent mutations in WFS1 gene are associated with Wolfram's syndrome, an autosomal recessive condition, which cause diabetes mellitus, diabetes insipidus, deafness and optic atrophy.However no sufficient evidence is found to ascertain the role of this particular variant rs1055393876 in Wolfram's syndrome yet.

Literature cited by the submitters: PubMed 17603484 (cited by Clinical Genomics, Uppaluri K&H Personalized Medicine Clinic); PubMed 20301750 (cited by Clinical Genomics, Uppaluri K&H Personalized Medicine Clinic); PubMed 18060660 (cited by Clinical Genomics, Uppaluri K&H Personalized Medicine Clinic); PubMed 12955714 (cited by Clinical Genomics, Uppaluri K&H Personalized Medicine Clinic); PubMed 33879153 (cited by Clinical Genomics, Uppaluri K&H Personalized Medicine Clinic); PubMed 20738327 (cited by Clinical Genomics, Uppaluri K&H Personalized Medicine Clinic).

NM_006005.3(WFS1):c.1986C>T (p.Ser662=)

Gene: WFS1 (wolframin ER transmembrane glycoprotein; plus strand). Cytogenetic location: 4p16.1.
Variant type: single nucleotide variant.
Coding change: c.1986C>T on transcript NM_006005.3 (MANE Select); coding-DNA position 1986, C replaced by T.
Protein change: p.Ser662=; no amino-acid change (serine 662 retained).
Molecular consequence: synonymous variant.
Genome position (GRCh38, 1-based): chr4:6,301,781, C>T. VCF-style: chr4-6301781-C-T. GRCh37 (hg19) VCF-style: chr4-6303508-C-T.
Other names: c.1986C>T, p.Ser662= (NM_001145853.1).
Identifiers: ClinVar variation 905056 (VCV000905056.5), dbSNP rs1055393876, ClinGen allele CA91796740.